The following is an entry in ClinVar:

NM_001126108.2(SLC12A3):c.595_596del (p.Lys199fs)

Gene: SLC12A3 (solute carrier family 12 member 3; plus strand). Cytogenetic location: 16q13.
Variant type: Deletion.
Coding change: c.595_596del on transcript NM_001126108.2 (MANE Select); coding-DNA positions 595 to 596, 2 bases deleted (AA; older notation c.595_596delAA).
Protein change: p.Lys199fs; shifts the reading frame from lysine 199.
Molecular consequence: frameshift variant.
Genome position (GRCh38, 1-based): chr16:56,869,818-56,869,819, AA deleted. VCF-style (leftmost placement, unchanged base first): chr16-56869817-CAA-C. GRCh37 (hg19) VCF-style: chr16-56903729-CAA-C.
Other names: c.595_596del (NM_000339.2); c.595_596del, p.Lys199fs (NM_000339.3); c.592_593del, p.Lys198fs (NM_001126107.2); short protein forms K198fs, K199fs.
Identifiers: ClinVar variation 1370685 (VCV001370685.8), dbSNP rs2055066583, ClinGen allele CA977637953.
Genomic context (GRCh38, chr16:56,869,817, plus strand): 5'-GGTCACGGTGACCTCCATCACAGGCCTCTCCATCTCAGCCATCTCCACCAATGGCAAGGT[CAA>C]GTCAGGTGGGCCATCCCCCTTTCCACCAAGGCCCTCCTCTCGTGGGCTCCTAATCCTGGG-3'

ClinVar aggregate classification (germline): Pathogenic/Likely pathogenic. Review status: criteria provided, multiple submitters, no conflicts (2 of 4 stars). 3 submissions from 3 submitters: Pathogenic (2); Likely pathogenic (1). Last evaluated 2026-01-22.

Conditions:
Familial hypokalemia-hypomagnesemia (GTLMNS). Also called: POTASSIUM AND MAGNESIUM DEPLETION; HYPOMAGNESEMIA-HYPOKALEMIA, PRIMARY RENOTUBULAR, WITH HYPOCALCIURIA; gitelman syndrome. Identifiers: Orphanet 358, MedGen C0268450, MONDO:0009904, OMIM 263800.

Allele frequency attached by ClinVar (database versions not stated): gnomAD 0.00001.

Submissions (3):

Natera, Inc.
Classification: Likely pathogenic for Gitelman syndrome. Last evaluated: 2026-01-22. Review status: criteria provided, single submitter. Criteria: Natera Variant Classification Schema (03/2026). Collection method: clinical testing. Allele origin: germline.
Comment: The c.595_596del variant in SLC12A3 is a frameshift variant predicted to shift the reading frame beginning at codon 199 and leads to a stop codon 59 codons downstream. This variant is expected to result in nonsense mediated decay, truncation, or a dysfunctional protein product. This variant is rare in the general population with a frequency below the threshold expected for the associated phenotype(s). Given the available evidence, this variant is classified as Likely Pathogenic.

MVZ Medizinische Genetik Mainz
Classification: Pathogenic for Familial hypokalemia-hypomagnesemia. Last evaluated: 2023-11-07. Review status: criteria provided, single submitter. Criteria: UK Practice Guidelines For Variant Classification V4 01 2020. Collection method: clinical testing. Allele origin: germline. Inheritance: Autosomal recessive inheritance. Affected: yes. Observed: 1 variant allele.
Comment: ACMG Criteria: PVS1,PM2_SUP,PP4; Compound Heterozygote

Labcorp Genetics (formerly Invitae), Labcorp
Classification: Pathogenic. Last evaluated: 2021-10-26. Review status: criteria provided, single submitter. Criteria: Invitae Variant Classification Sherloc (09022015). Collection method: clinical testing. Allele origin: germline.
Comment: For these reasons, this variant has been classified as Pathogenic. This premature translational stop signal has been observed in individual(s) with Gitelman syndrome (PMID: 24830959). This variant is not present in population databases (ExAC no frequency). This sequence change creates a premature translational stop signal (p.Lys199Valfs*59) in the SLC12A3 gene. It is expected to result in an absent or disrupted protein product. Loss-of-function variants in SLC12A3 are known to be pathogenic (PMID: 20848653, 22009145, 25841442).

Literature cited by the submitters: PubMed 24830959 (cited by Labcorp Genetics (formerly Invitae), Labcorp); PubMed 20848653 (cited by Labcorp Genetics (formerly Invitae), Labcorp); PubMed 22009145 (cited by Labcorp Genetics (formerly Invitae), Labcorp); PubMed 25841442 (cited by Labcorp Genetics (formerly Invitae), Labcorp).